The following is an entry in ClinVar:

NM_001276309.3(NOL3):c.-8-132C>T

Gene: NOL3 (nucleolar protein 3; plus strand). Cytogenetic location: 16q22.1.
Variant type: single nucleotide variant.
Coding change: c.-8-132C>T on transcript NM_001276309.3 (MANE Select); 132 bases into the intron before 8 bases upstream of the start codon, C replaced by T.
Molecular consequence: intron variant. On other transcripts: 5 prime UTR variant (9).
Genome position (GRCh38, 1-based): chr16:67,174,030, C>T. VCF-style: chr16-67174030-C-T. GRCh37 (hg19) VCF-style: chr16-67207933-C-T.
Other names: NM_001276319.1:c.162C>T; c.-25C>T (NM_001185057.3, NM_001276307.3, NM_001276311.2 and 6 more transcripts); c.-8-132C>T (NM_001394979.1, NM_001394977.1, NM_001394974.1).
Identifiers: ClinVar variation 3055509 (VCV003055509.3), dbSNP rs2233455, ClinGen allele CA8102234.

ClinVar aggregate classification (germline): Benign. Review status: criteria provided, single submitter (1 of 4 stars). 2 submissions from 2 submitters: Benign (1). 1 of the submissions does not count toward it. Last evaluated 2024-11-27.

Conditions:
NOL3-related disorder. Also called: NOL3-related condition.

Allele frequency attached by ClinVar (database versions not stated): ExAC 0.11951; gnomAD 0.13475; TOPMed 0.13687; 1000 Genomes Project 0.14117; 1000 Genomes Project 30x 0.14850.
gnomAD v4.1: 125,184 of 1,549,782 alleles (8.1%); highest among the groups gnomAD compares: African/African-American, 30%; 7,362 homozygotes.

Submissions (2):

Blueprint Genetics
Classification: Benign. Last evaluated: 2024-11-27. Review status: criteria provided, single submitter. Criteria: ACMG Guidelines, 2015. Collection method: clinical testing. Allele origin: germline.

PreventionGenetics, part of Exact Sciences
Classification: Benign for NOL3-related condition. Last evaluated: 2019-09-06. Review status: no assertion criteria provided. Collection method: clinical testing. Allele origin: germline. Not counted in ClinVar's aggregate classification.
Comment: This variant is classified as benign based on ACMG/AMP sequence variant interpretation guidelines (Richards et al. 2015 PMID: 25741868, with internal and published modifications).